The following is an entry in ClinVar:

ClinVar aggregate classification (germline): Uncertain significance (1 of 4 stars; one submission).

Conditions:
Niemann-Pick disease, type C1. Also called: NIEMANN-PICK DISEASE, VARIANT TYPE C1; NEUROVISCERAL STORAGE DISEASE WITH VERTICAL SUPRANUCLEAR OPHTHALMOPLEGIA; NIEMANN-PICK DISEASE WITH CHOLESTEROL ESTERIFICATION BLOCK; NIEMANN-PICK DISEASE WITHOUT SPHINGOMYELINASE DEFICIENCY; NIEMANN-PICK DISEASE, CHRONIC NEURONOPATHIC FORM. Identifiers: Orphanet 646, MedGen C3179455, MONDO:0009757, OMIM 257220.

Allele frequency attached by ClinVar (database versions not stated): gnomAD 0.00001; TOPMed 0.00001.
gnomAD v4.1: 13 of 1,613,964 alleles (0.00081%); highest among the groups gnomAD compares: Admixed American, 0.0033%; no homozygotes.

Submission:

Labcorp Genetics (formerly Invitae), Labcorp
Classification: Uncertain significance for Niemann-Pick disease, type C1. Last evaluated: 2022-06-26. Review status: criteria provided, single submitter. Criteria: Invitae Variant Classification Sherloc (09022015). Collection method: clinical testing. Allele origin: germline.
Comment: This sequence change replaces arginine, which is basic and polar, with tryptophan, which is neutral and slightly polar, at codon 411 of the NPC1 protein (p.Arg411Trp). The frequency data for this variant in the population databases is considered unreliable, as metrics indicate poor data quality at this position in the gnomAD database. This variant has not been reported in the literature in individuals affected with NPC1-related conditions. Advanced modeling of protein sequence and biophysical properties (such as structural, functional, and spatial information, amino acid conservation, physicochemical variation, residue mobility, and thermodynamic stability) performed at Invitae indicates that this missense variant is not expected to disrupt NPC1 protein function. In summary, the available evidence is currently insufficient to determine the role of this variant in disease. Therefore, it has been classified as a Variant of Uncertain Significance.

NM_000271.5(NPC1):c.1231C>T (p.Arg411Trp)

Gene: NPC1 (NPC intracellular cholesterol transporter 1; minus strand). Cytogenetic location: 18q11.2.
Variant type: single nucleotide variant.
Coding change: c.1231C>T on transcript NM_000271.5 (MANE Select); coding-DNA position 1231, C replaced by T.
Protein change: p.Arg411Trp; replaces arginine 411 with tryptophan.
Molecular consequence: missense variant.
Genome position (GRCh38, 1-based): chr18:23,556,338, G>A on the plus strand (C>T on the coding strand, the complement: NPC1 is on the minus strand). VCF-style: chr18-23556338-G-A. GRCh37 (hg19) VCF-style: chr18-21136302-G-A.
Other names: short protein forms R411W.
Identifiers: ClinVar variation 1904670 (VCV001904670.2), dbSNP rs1165354098, ClinGen allele CA401777518.
Genomic context (GRCh38, chr18:23,556,338, plus strand): 5'-AGGGTACATCAGCTCCCGAAGGGTATGGCTGGTAAATGTGTTTGTCAGTGAGAGGGGCCC[G>A]GATGATGAGCTGCTCCGTCCGGAAGAAAGGCCCAAAGTGCTGGTCAAAGTACTCTTTTTC-3'
Protein context (NP_000262.2, residues 401-421): PFFRTEQLII[Arg411Trp]APLTDKHIYQ